The following is an entry in ClinVar:

NM_019892.6(INPP5E):c.1549+17del

Gene: INPP5E (inositol polyphosphate-5-phosphatase E; minus strand). Cytogenetic location: 9q34.3.
Variant type: Deletion.
Coding change: c.1549+17del on transcript NM_019892.6 (MANE Select); 17 bases into the intron after coding-DNA position 1549, one base deleted (G; older notation c.1549+17delG).
Molecular consequence: intron variant.
Genome position (GRCh38, 1-based): chr9:136,431,807, C deleted on the plus strand (G on the coding strand, the reverse complement: INPP5E is on the minus strand); the first of 7 consecutive C bases (chr9:136,431,807-136,431,813); deleting any one gives the same sequence. VCF-style (leftmost placement, unchanged base first): chr9-136431806-GC-G. GRCh37 (hg19) VCF-style: chr9-139326258-GC-G.
Other names: c.1546+17del (NM_001318502.2); c.1549+17delG (NM_019892.4).
Identifiers: ClinVar variation 418605 (VCV000418605.11), dbSNP rs761489335, ClinGen allele CA16618800.

ClinVar aggregate classification (germline): Benign/Likely benign. Review status: criteria provided, multiple submitters, no conflicts (2 of 4 stars). 3 submissions from 3 submitters: Benign (1); Likely benign (2). Last evaluated 2026-01-19.

Conditions:
Joubert syndrome. Also called: Familial aplasia of the vermis; JOUBERT-BOLTSHAUSER SYNDROME. Identifiers: Orphanet 475, MedGen C5979921, MONDO:0018772.

Submissions (3):

Labcorp Genetics (formerly Invitae), Labcorp
Classification: Benign for Joubert syndrome. Last evaluated: 2026-01-19. Review status: criteria provided, single submitter. Criteria: Invitae Variant Classification Sherloc (09022015). Collection method: clinical testing. Allele origin: germline.

Blueprint Genetics
Classification: Likely benign. Last evaluated: 2021-10-07. Review status: criteria provided, single submitter. Criteria: ACMG Guidelines, 2015. Collection method: clinical testing. Allele origin: germline.

GeneDx
Classification: Likely benign. Last evaluated: 2017-11-15. Review status: criteria provided, single submitter. Criteria: GeneDx Variant Classification (06012015). Collection method: clinical testing. Allele origin: germline. Affected: yes.
Comment: This variant is considered likely benign or benign based on one or more of the following criteria: it is a conservative change, it occurs at a poorly conserved position in the protein, it is predicted to be benign by multiple in silico algorithms, and/or has population frequency not consistent with disease.